The following is an entry in ClinVar:

ClinVar aggregate classification (germline): Uncertain significance (1 of 4 stars; one submission).

Conditions:
Angelman syndrome-like. Identifiers: MedGen CN128785.
Developmental and epileptic encephalopathy, 2 (DEE2). Also called: INFANTILE SPASM SYNDROME, X-LINKED 2; CDKL5 deficiency disorder. Identifiers: Orphanet 1934, Orphanet 3451, Orphanet 505652, MedGen C4750718, MONDO:0010396, OMIM 300672.

Submission:

Labcorp Genetics (formerly Invitae), Labcorp
Classification: Uncertain significance for Developmental and epileptic encephalopathy, 2; Angelman syndrome-like. Last evaluated: 2020-06-16. Review status: criteria provided, single submitter. Criteria: Invitae Variant Classification Sherloc (09022015). Collection method: clinical testing. Allele origin: germline.
Comment: This variant is a gross deletion of the genomic region encompassing exons 21 of the CDKL5 gene. The 5' boundary is likely confined to intron 21. The 3' end of this event is unknown as it extends through the termination codon beyond the assayed region for this gene and may encompass additional genes. While this deletion is not anticipated to result in nonsense mediated decay, it is expected to create a truncated protein product or disrupt mRNA translation. A similar copy number variant has been observed in individual(s) with epilepsy and/or neurodevelopmental delay (PMID: 29655203). In summary, the available evidence is currently insufficient to determine the role of this variant in disease. Therefore, it has been classified as a Variant of Uncertain Significance.

Literature cited by the submitters: PubMed 29655203.

NC_000023.10:g.(?_18671542)_(18671664_?)del

Genes: CDKL5 (cyclin dependent kinase like 5; plus strand), RS1 (retinoschisin 1; minus strand). Cytogenetic location: Xp22.13.
Variant type: Deletion.
Identifiers: ClinVar variation 1015176 (VCV001015176.1).